The following is an entry in ClinVar:

ClinVar aggregate classification (germline): Uncertain significance (1 of 4 stars; one submission).

Submission:

Labcorp Genetics (formerly Invitae), Labcorp
Classification: Uncertain significance. Last evaluated: 2022-11-03. Review status: criteria provided, single submitter. Criteria: Invitae Variant Classification Sherloc (09022015). Collection method: clinical testing. Allele origin: germline.
Comment: In summary, the available evidence is currently insufficient to determine the role of this variant in disease. Therefore, it has been classified as a Variant of Uncertain Significance. Algorithms developed to predict the effect of missense changes on protein structure and function (SIFT, PolyPhen-2, Align-GVGD) all suggest that this variant is likely to be tolerated. This variant has not been reported in the literature in individuals affected with AHDC1-related conditions. This variant is not present in population databases (gnomAD no frequency). This sequence change replaces threonine, which is neutral and polar, with isoleucine, which is neutral and non-polar, at codon 458 of the AHDC1 protein (p.Thr458Ile).

NM_001371928.1(AHDC1):c.1373C>T (p.Thr458Ile)

Gene: AHDC1 (AT-hook DNA binding motif containing 1; minus strand). Cytogenetic location: 1p36.11.
Variant type: single nucleotide variant.
Coding change: c.1373C>T on transcript NM_001371928.1 (MANE Select); coding-DNA position 1373, C replaced by T.
Protein change: p.Thr458Ile; replaces threonine 458 with isoleucine.
Molecular consequence: missense variant.
Genome position (GRCh38, 1-based): chr1:27,550,743, G>A on the plus strand (C>T on the coding strand, the complement: AHDC1 is on the minus strand). VCF-style: chr1-27550743-G-A. GRCh37 (hg19) VCF-style: chr1-27877254-G-A.
Other names: c.1373C>T, p.Thr458Ile (NM_001029882.3); short protein forms T458I.
Identifiers: ClinVar variation 2811783 (VCV002811783.3), dbSNP rs753634865, ClinGen allele CA339234404.